The following is an entry in ClinVar:

ClinVar aggregate classification (germline): Pathogenic. Review status: criteria provided, single submitter (1 of 4 stars). 2 submissions from 2 submitters: Pathogenic (1). 1 of the submissions does not count toward it. Last evaluated 2017-08-03.

Conditions:
Primary ciliary dyskinesia 15. Also called: CILIARY DYSKINESIA, PRIMARY, 15, WITH OR WITHOUT SITUS INVERSUS. Identifiers: Orphanet 244, MedGen C3151137, MONDO:0013435, OMIM 613808.
Primary ciliary dyskinesia. Also called: Ciliary dyskinesia. Identifiers: Orphanet 244, MedGen C0008780, MONDO:0016575, HP:0012265.

gnomAD v4.1: 1 of 1,613,574 alleles (0.000062%); highest among the groups gnomAD compares: Non-Finnish European, 0.000085%; no homozygotes.

Submissions (2):

Labcorp Genetics (formerly Invitae), Labcorp
Classification: Pathogenic for Primary ciliary dyskinesia. Last evaluated: 2017-08-03. Review status: criteria provided, single submitter. Criteria: Invitae Variant Classification Sherloc (09022015). Collection method: clinical testing. Allele origin: germline.
Comment: For these reasons, this variant has been classified as Pathogenic. Loss-of-function variants in CCDC40 are known to be pathogenic (PMID: 21131974, 22693285, 23255504). This variant has been reported as homozygous in an individual affected with primary ciliary dyskinesia (PMID: 21131974). ClinVar contains an entry for this variant (Variation ID: 31071). This variant is not present in population databases (ExAC no frequency). This sequence change creates a premature translational stop signal (p.Gln651*) in the CCDC40 gene. It is expected to result in an absent or disrupted protein product.

OMIM
Classification: Pathogenic for CILIARY DYSKINESIA, PRIMARY, 15. Last evaluated: 2011-01-01. Review status: no assertion criteria provided. Collection method: literature only. Allele origin: germline. Not counted in ClinVar's aggregate classification.

Literature cited by the submitters: PubMed 21131974 (cited by Labcorp Genetics (formerly Invitae), Labcorp and OMIM); PubMed 22693285 (cited by Labcorp Genetics (formerly Invitae), Labcorp); PubMed 23255504 (cited by Labcorp Genetics (formerly Invitae), Labcorp).

NM_017950.4(CCDC40):c.1951C>T (p.Gln651Ter)

Gene: CCDC40 (coiled-coil domain 40 molecular ruler complex subunit; plus strand). Cytogenetic location: 17q25.3.
Variant type: single nucleotide variant.
Coding change: c.1951C>T on transcript NM_017950.4 (MANE Select); coding-DNA position 1951, C replaced by T.
Protein change: p.Gln651Ter; replaces glutamine 651 with a stop codon.
Molecular consequence: nonsense.
Genome position (GRCh38, 1-based): chr17:80,082,020, C>T. VCF-style: chr17-80082020-C-T. GRCh37 (hg19) VCF-style: chr17-78055819-C-T.
Other names: c.1951C>T, p.Gln651Ter (NM_001243342.2); short protein forms Q651*.
Identifiers: ClinVar variation 31071 (VCV000031071.9), dbSNP rs387907092, ClinGen allele CA259987.